The following is an entry in ClinVar:

NM_007347.5(AP4E1):c.684A>G (p.Ile228Met)

Gene: AP4E1 (adaptor related protein complex 4 subunit epsilon 1; plus strand). Cytogenetic location: 15q21.2.
Variant type: single nucleotide variant.
Coding change: c.684A>G on transcript NM_007347.5 (MANE Select); coding-DNA position 684, A replaced by G.
Protein change: p.Ile228Met; replaces isoleucine 228 with methionine.
Molecular consequence: missense variant.
Genome position (GRCh38, 1-based): chr15:50,929,150, A>G. VCF-style: chr15-50929150-A-G. GRCh37 (hg19) VCF-style: chr15-51221347-A-G.
Other names: c.459A>G, p.Ile153Met (NM_001252127.2); short protein forms I153M, I228M.
Identifiers: ClinVar variation 661700 (VCV000661700.6), dbSNP rs1238343522, ClinGen allele CA392415929.

ClinVar aggregate classification (germline): Uncertain significance (1 of 4 stars; one submission).

Conditions:
Spastic paraplegia. Identifiers: MedGen C0037772, HP:0001258.

Allele frequency attached by ClinVar (database versions not stated): gnomAD exomes 0.00001 and below 0.00001; TOPMed 0.00001; gnomAD 0.00001.
gnomAD v4.1: 3 of 1,613,710 alleles (0.00019%); highest among the groups gnomAD compares: South Asian, 0.0011%; no homozygotes.

Submission:

Labcorp Genetics (formerly Invitae), Labcorp
Classification: Uncertain significance for Spastic paraplegia. Last evaluated: 2021-09-26. Review status: criteria provided, single submitter. Criteria: Invitae Variant Classification Sherloc (09022015). Collection method: clinical testing. Allele origin: germline.
Comment: In summary, the available evidence is currently insufficient to determine the role of this variant in disease. Therefore, it has been classified as a Variant of Uncertain Significance. Algorithms developed to predict the effect of missense changes on protein structure and function are either unavailable or do not agree on the potential impact of this missense change (SIFT: "Deleterious"; PolyPhen-2: "Probably Damaging"; Align-GVGD: "Class C0"). This variant has not been reported in the literature in individuals affected with AP4E1-related conditions. This variant is not present in population databases (ExAC no frequency). This sequence change replaces isoleucine with methionine at codon 228 of the AP4E1 protein (p.Ile228Met). The isoleucine residue is highly conserved and there is a small physicochemical difference between isoleucine and methionine.